The following is an entry in ClinVar:

ClinVar aggregate classification (germline): Uncertain significance (1 of 4 stars; one submission).

Conditions:
Adams-Oliver syndrome 5 (AOS5). Identifiers: Orphanet 974, MedGen C4014970, MONDO:0014459, OMIM 616028.

Submission:

Labcorp Genetics (formerly Invitae), Labcorp
Classification: Uncertain significance for Adams-Oliver syndrome 5. Last evaluated: 2025-01-22. Review status: criteria provided, single submitter. Criteria: Invitae Variant Classification Sherloc (09022015). Collection method: clinical testing. Allele origin: germline.
Comment: This sequence change replaces asparagine, which is neutral and polar, with histidine, which is basic and polar, at codon 2295 of the NOTCH1 protein (p.Asn2295His). This variant is not present in population databases (gnomAD no frequency). This variant has not been reported in the literature in individuals affected with NOTCH1-related conditions. Invitae Evidence Modeling of protein sequence and biophysical properties (such as structural, functional, and spatial information, amino acid conservation, physicochemical variation, residue mobility, and thermodynamic stability) indicates that this missense variant is not expected to disrupt NOTCH1 protein function with a negative predictive value of 95%. In summary, the available evidence is currently insufficient to determine the role of this variant in disease. Therefore, it has been classified as a Variant of Uncertain Significance.

NM_017617.5(NOTCH1):c.6883A>C (p.Asn2295His)

Gene: NOTCH1 (notch receptor 1; minus strand). Cytogenetic location: 9q34.3.
Variant type: single nucleotide variant.
Coding change: c.6883A>C on transcript NM_017617.5 (MANE Select); coding-DNA position 6883, A replaced by C.
Protein change: p.Asn2295His; replaces asparagine 2295 with histidine.
Molecular consequence: missense variant.
Genome position (GRCh38, 1-based): chr9:136,496,856, T>G on the plus strand (A>C on the coding strand, the complement: NOTCH1 is on the minus strand). VCF-style: chr9-136496856-T-G. GRCh37 (hg19) VCF-style: chr9-139391308-T-G.
Other names: short protein forms N2295H.
Identifiers: ClinVar variation 3681102 (VCV003681102.2).